The following is an entry in ClinVar:

ClinVar aggregate classification (germline): Uncertain significance (1 of 4 stars; one submission).

Conditions:
Joubert syndrome. Also called: Familial aplasia of the vermis; CEREBELLOPARENCHYMAL DISORDER IV; JOUBERT-BOLTSHAUSER SYNDROME. Identifiers: Orphanet 475, MedGen C5979921, MONDO:0018772.
Meckel-Gruber syndrome. Also called: Dysencephalia splachnocystica; DYSENCEPHALIA SPLANCHNOCYSTICA; GRUBER SYNDROME. Identifiers: Orphanet 564, MedGen C0265215, MONDO:0018921.
Nephronophthisis. Also called: Juvenile Nephronophthisis. Identifiers: Orphanet 655, MedGen C0687120, MONDO:0019005, HP:0000090.

Allele frequency attached by ClinVar (database versions not stated): gnomAD exomes below 0.00001; ExAC 0.00001.
gnomAD v4.1: 2 of 1,613,488 alleles (0.00012%); highest among the groups gnomAD compares: South Asian, 0.0011%; no homozygotes.

Submission:

Labcorp Genetics (formerly Invitae), Labcorp
Classification: Uncertain significance for Joubert syndrome; Meckel-Gruber syndrome; Nephronophthisis. Last evaluated: 2022-09-01. Review status: criteria provided, single submitter. Criteria: Invitae Variant Classification Sherloc (09022015). Collection method: clinical testing. Allele origin: germline.
Comment: Algorithms developed to predict the effect of missense changes on protein structure and function are either unavailable or do not agree on the potential impact of this missense change (SIFT: "Deleterious"; PolyPhen-2: "Probably Damaging"; Align-GVGD: "Class C0"). ClinVar contains an entry for this variant (Variation ID: 1008498). This variant has not been reported in the literature in individuals affected with CEP290-related conditions. This variant is present in population databases (rs766779533, gnomAD 0.003%). This sequence change replaces glutamine, which is neutral and polar, with histidine, which is basic and polar, at codon 530 of the CEP290 protein (p.Gln530His). In summary, the available evidence is currently insufficient to determine the role of this variant in disease. Therefore, it has been classified as a Variant of Uncertain Significance.

NM_025114.4(CEP290):c.1590G>C (p.Gln530His)

Gene: CEP290 (centrosomal protein 290; minus strand). Cytogenetic location: 12q21.32.
Variant type: single nucleotide variant.
Coding change: c.1590G>C on transcript NM_025114.4 (MANE Select); coding-DNA position 1590, G replaced by C.
Protein change: p.Gln530His; replaces glutamine 530 with histidine.
Molecular consequence: missense variant.
Genome position (GRCh38, 1-based): chr12:88,118,676, C>G on the plus strand (G>C on the coding strand, the complement: CEP290 is on the minus strand). VCF-style: chr12-88118676-C-G. GRCh37 (hg19) VCF-style: chr12-88512453-C-G.
Other names: short protein forms Q530H.
Identifiers: ClinVar variation 1008498 (VCV001008498.9), dbSNP rs766779533, ClinGen allele CA6712522.
Genomic context (GRCh38, chr12:88,118,676, plus strand): 5'-AAATAATCAACTGACTACCACACTTGCCTCTTTCAAAAGAATCTGGTTTTCAGCTCTGTA[C>G]TGCTGCTGTTTTAAGTGTTTGCTATTTCTAAATTCAGTTAAATCAATCATTGTCTTTGGT-3'
Protein context (NP_079390.3, residues 520-540): FRNSKHLKQQ[Gln530His]YRAENQILLK